The following is an entry in ClinVar:

NM_000548.5(TSC2):c.2331T>A (p.His777Gln)

Gene: TSC2 (TSC complex subunit 2; plus strand). Cytogenetic location: 16p13.3.
Variant type: single nucleotide variant.
Coding change: c.2331T>A on transcript NM_000548.5 (MANE Select); coding-DNA position 2331, T replaced by A.
Protein change: p.His777Gln; replaces histidine 777 with glutamine.
Molecular consequence: missense variant. On other transcripts: non-coding transcript variant (5).
Genome position (GRCh38, 1-based): chr16:2,072,959, T>A. VCF-style: chr16-2072959-T-A. GRCh37 (hg19) VCF-style: chr16-2122960-T-A.
Other names: c.2331T>A, p.His777Gln (NM_001077183.3, NM_001114382.3, NM_001363528.2 and 6 more transcripts); c.2220T>A, p.His740Gln (NM_001318827.2, NM_001406678.1, NM_001406670.1); c.2184T>A, p.His728Gln (NM_001318829.2, NM_001406679.1, NM_001406675.1 and 1 more transcripts); c.1731T>A, p.His577Gln (NM_001318831.2, NM_001406680.1, NM_001406682.1 and 6 more transcripts); c.2364T>A, p.His788Gln (NM_001318832.2); c.1869T>A, p.His623Gln (NM_001406681.1); c.987T>A, p.His329Gln (NM_001406697.1, NM_001406689.1, NM_001406690.1 and 6 more transcripts); c.729T>A, p.His243Gln (NM_001406698.1); and 3 more; short protein forms H623Q, H777Q, H807Q, H728Q, H243Q, H740Q, H773Q, H788Q.
Identifiers: ClinVar variation 2831789 (VCV002831789.3), dbSNP rs139963953, ClinGen allele CA394276663.

ClinVar aggregate classification (germline): Uncertain significance (1 of 4 stars; one submission).

Conditions:
Tuberous sclerosis 2 (TSC2). Identifiers: Orphanet 805, MedGen C1860707, MONDO:0013199, OMIM 613254.

Submission:

Labcorp Genetics (formerly Invitae), Labcorp
Classification: Uncertain significance for Tuberous sclerosis 2. Last evaluated: 2023-01-31. Review status: criteria provided, single submitter. Criteria: Invitae Variant Classification Sherloc (09022015). Collection method: clinical testing. Allele origin: germline.
Comment: This sequence change replaces histidine, which is basic and polar, with glutamine, which is neutral and polar, at codon 777 of the TSC2 protein (p.His777Gln). This variant is not present in population databases (gnomAD no frequency). This variant has not been reported in the literature in individuals affected with TSC2-related conditions. Advanced modeling of protein sequence and biophysical properties (such as structural, functional, and spatial information, amino acid conservation, physicochemical variation, residue mobility, and thermodynamic stability) performed at Invitae indicates that this missense variant is not expected to disrupt TSC2 protein function. In summary, the available evidence is currently insufficient to determine the role of this variant in disease. Therefore, it has been classified as a Variant of Uncertain Significance.